The following is an entry in ClinVar:

ClinVar aggregate classification (germline): Likely benign (1 of 4 stars; one submission).

Submission:

CeGaT Center for Human Genetics Tuebingen
Classification: Likely benign. Last evaluated: 2025-05-01. Review status: criteria provided, single submitter. Criteria: CeGaT Center For Human Genetics Tuebingen Variant Classification Criteria Version 2. Collection method: clinical testing. Allele origin: germline. Affected: yes. Observed: 1 variant allele.
Comment: CHEK2: PM2:Supporting, BP4, BP7

NM_007194.4(CHEK2):c.319+3943A>T

Gene: CHEK2 (checkpoint kinase 2; minus strand). Cytogenetic location: 22q12.1.
Variant type: single nucleotide variant.
Coding change: c.319+3943A>T on transcript NM_007194.4 (MANE Select); 3943 bases into the intron after coding-DNA position 319, A replaced by T.
Molecular consequence: intron variant. On other transcripts: synonymous variant (4).
Genome position (GRCh38, 1-based): chr22:28,730,460, T>A on the plus strand (A>T on the coding strand, the complement: CHEK2 is on the minus strand). VCF-style: chr22-28730460-T-A. GRCh37 (hg19) VCF-style: chr22-29126448-T-A.
Other names: c.408A>T, p.Ile136= (NM_001005735.3, NM_001438293.1, NM_001438294.1 and 1 more transcripts); c.-344-5093A>T (NM_001437942.1); c.319+3943A>T (NM_001349956.3, NM_145862.3); c.-459+3943A>T (NM_001257387.3).
Identifiers: ClinVar variation 3904953 (VCV003904953.10).